The following is an entry in ClinVar:

ClinVar aggregate classification (germline): Pathogenic/Likely pathogenic. Review status: criteria provided, multiple submitters, no conflicts (2 of 4 stars). 13 submissions from 13 submitters: Pathogenic (10); Likely pathogenic (2). 1 of the submissions does not count toward it. Last evaluated 2026-01-27.

Conditions:
Atypical hemolytic-uremic syndrome. Identifiers: Orphanet 2134, MedGen C2931788, MONDO:0016244.
Atypical hemolytic-uremic syndrome with MCP/CD46 anomaly. Also called: HEMOLYTIC UREMIC SYNDROME, ATYPICAL, SUSCEPTIBILITY TO, 2; AHUS, SUSCEPTIBILITY TO, 2. Identifiers: Orphanet 2134, MedGen C2752040, MONDO:0013040, OMIM 612922.
Familial Atypical Hemolytic-Uremic Syndrome. Identifiers: MedGen C4055018.
CD46-related disorders.

Allele frequency attached by ClinVar (database versions not stated): ExAC 0.00003; gnomAD 0.00004; gnomAD exomes 0.00005; TOPMed 0.00005.
gnomAD v4.1: 185 of 1,611,488 alleles (0.011%); highest among the groups gnomAD compares: Non-Finnish European, 0.015%; no homozygotes.

Submissions (13):

Institute of Human Genetics, University of Leipzig Medical Center
Classification: Pathogenic for Atypical hemolytic-uremic syndrome with MCP/CD46 anomaly. Last evaluated: 2026-01-27. Review status: criteria provided, single submitter. Criteria: ACMG Guidelines, 2015. Collection method: clinical testing. Allele origin: maternal. Inheritance: Autosomal dominant inheritance. Affected: yes.
Comment: Criteria applied: PVS1,PS3_MOD,PS4_MOD,PP1; variant still plausible as genetic cause due to stronlgy reduced penetrance

Labcorp Genetics (formerly Invitae), Labcorp
Classification: Pathogenic. Last evaluated: 2026-01-26. Review status: criteria provided, single submitter. Criteria: Invitae Variant Classification Sherloc (09022015). Collection method: clinical testing. Allele origin: germline.
Comment: This sequence change affects a donor splice site in intron 2 of the CD46 gene. It is expected to disrupt RNA splicing. Variants that disrupt the donor or acceptor splice site typically lead to a loss of protein function (PMID: 16199547), and loss-of-function variants in CD46 are known to be pathogenic (PMID: 16621965, 23431077). This variant is present in population databases (rs769742294, gnomAD 0.01%). Disruption of this splice site has been observed in individual(s) with hemolytic uremic syndrome (PMID: 16762990, 23431077, 26307634, 26559391). It has also been observed to segregate with disease in related individuals. ClinVar contains an entry for this variant (Variation ID: 505831). Studies have shown that disruption of this splice site alters CD46 gene expression (PMID: 24944786, 26559391). Algorithms developed to predict the effect of sequence changes on RNA splicing suggest that this variant may disrupt the consensus splice site. For these reasons, this variant has been classified as Pathogenic.

Variantyx, Inc.
Classification: Likely pathogenic for Atypical hemolytic-uremic syndrome with MCP/CD46 anomaly. Last evaluated: 2026-01-20. Review status: criteria provided, single submitter. Criteria: Variantyx Assertion Criteria 2022. Collection method: clinical testing. Allele origin: germline. Inheritance: Autosomal dominant inheritance.
Comment: This is a canonical splicing variant in the CD46 gene (OMIM: 120920). Pathogenic variants in this gene have been associated with autosomal semidominant susceptibility to atypical hemolytic uremic syndrome 2. Loss of function is a known disease mechanism for CD46 in this disorder (PMID: 16621965, 16762990). However, the functional consequence of this splicing variant cannot be predicted with certainty (PVS1_Moderate). This variant has been reported in both the homozygous or heterozygous state in individuals in at least 5 unrelated affected individuals (PMID: 23731345, 23431077, 28509134) (PS4_Moderate). This variant has a 0.0150% maximum allele frequency in non-founder control populations. Based on the current evidence, this variant is classified as likely pathogenic for autosomal semidominant susceptibility to atypical hemolytic uremic syndrome 2.

Genomenon, Inc
Classification: Pathogenic for Atypical hemolytic-uremic syndrome. Last evaluated: 2025-10-02. Review status: criteria provided, single submitter. Criteria: Genomenon Sequence Variant Interpretation Standards. Collection method: curation. Allele origin: germline. Affected: yes.
Comment: CD46 c.286+2T>G is a canonical splice variant located in the donor splice region in intron 2. This variant has been observed in at least one proband affected with atypical hemolytic-uremic syndrome (PMID:33224962;16762990;17617869;29644059). The variant was found to segregate with disease in at least one affected family (PMID:26307634;21906045). At least one splicing study identified that this variant results in aberrant splicing (PMID:33224962;16762990;17617869). It is absent or not present at a significant frequency in gnomAD. In conclusion, we classify CD46 c.286+2T>G as a pathogenic variant.

Mayo Clinic Laboratories, Mayo Clinic
Classification: Pathogenic. Last evaluated: 2025-03-08. Review status: criteria provided, single submitter. Criteria: ACMG Guidelines, 2015. Collection method: clinical testing. Allele origin: germline. Observed: 3 variant alleles.
Comment: PP1, PM3, PS4, PVS1_strong

Blueprint Genetics
Classification: Pathogenic for CD46-related disorders. Last evaluated: 2024-08-23. Review status: criteria provided, single submitter. Criteria: ACMG Guidelines, 2015. Collection method: clinical testing. Allele origin: germline. Affected: yes. Observed: 5 variant alleles.

MVZ Medizinische Genetik Mainz
Classification: Pathogenic for Atypical hemolytic-uremic syndrome with MCP/CD46 anomaly. Last evaluated: 2024-06-13. Review status: criteria provided, single submitter. Criteria: UK Practice Guidelines For Variant Classification V4 01 2020. Collection method: clinical testing. Allele origin: germline. Inheritance: Autosomal dominant inheritance. Affected: yes. Observed: 1 variant allele.

Fulgent Genetics
Classification: Pathogenic for Atypical hemolytic-uremic syndrome with MCP/CD46 anomaly. Last evaluated: 2024-02-17. Review status: criteria provided, single submitter. Criteria: ACMG Guidelines, 2015. Collection method: clinical testing. Allele origin: germline.

Women's Health and Genetics/Laboratory Corporation of America, LabCorp
Classification: Pathogenic for Familial Atypical Hemolytic-Uremic Syndrome. Last evaluated: 2024-02-07. Review status: criteria provided, single submitter. Criteria: LabCorp Variant Classification Summary - May 2015. Collection method: clinical testing. Allele origin: germline.
Comment: Variant summary: CD46 c.286+2T>G is located in a canonical splice-site and is predicted to affect mRNA splicing resulting in a significantly altered protein due to either exon skipping, shortening, or inclusion of intronic material. Several computational tools predict a significant impact on normal splicing: Four predict the variant abolishes a 5' splicing donor site. At least one publication reports experimental evidence that this variant affects mRNA splicing, resulting in the deletion of 144 bp in exon 2 (Fremeaux-Bacchi_2006). The variant allele was found at a frequency of 5.2e-05 in 249756 control chromosomes (gnomAD). c.286+2T>G has been reported in the literature in multiple individuals affected with Genetic Atypical Hemolytic Uremic Syndrome, both in the homozygous state and in heterozygous individuals with incomplete penetrance (Fremeaux-Bacchi_2006, Khandelwal_CD46_CKJ_2018). These data indicate that the variant is very likely to be associated with disease. The following publications have been ascertained in the context of this evaluation (PMID: 16762990, 29644059). ClinVar contains an entry for this variant (Variation ID: 505831). Based on the evidence outlined above, the variant was classified as pathogenic.

Department of Pathology and Laboratory Medicine, Sinai Health System
Classification: Pathogenic for Atypical hemolytic-uremic syndrome with MCP/CD46 anomaly. Last evaluated: 2023-06-19. Review status: criteria provided, single submitter. Criteria: ACMG Guidelines, 2015. Collection method: research. Allele origin: germline.

Johns Hopkins Genomics, Johns Hopkins University
Classification: Pathogenic for Atypical hemolytic-uremic syndrome with MCP/CD46 anomaly. Last evaluated: 2020-04-27. Review status: criteria provided, single submitter. Criteria: ACMG Guidelines, 2015. Collection method: clinical testing. Allele origin: germline.
Comment: This CD46 variant (rs769742294) is rare (<0.1%) in a large population dataset (gnomAD: 13/249756 total alleles; 0.005205%; no homozygotes). It has been previously reported in individuals with aHUS with incomplete penetrance. This variant destroys a canonical splice donor site and is predicted to affect normal exon 2 splicing. A single submitter in ClinVar classifies this variant as likely pathogenic. We consider it to be pathogenic.

Laboratory for Molecular Medicine, Mass General Brigham Personalized Medicine
Classification: Likely pathogenic for Atypical hemolytic-uremic syndrome. Last evaluated: 2017-07-28. Review status: criteria provided, single submitter. Criteria: LMM Criteria. Collection method: clinical testing. Allele origin: germline. Inheritance: Autosomal dominant inheritance. Observed: 2 variant alleles.
Comment: The c.286+2T>G (NM_002389.4 c.286+2T>G) variant in CD46 has been previously repo rted in at least 4 heterozygous, 1 compound heterozygous, and 3 homozygous indiv iduals with atypical hemolytic uremic syndrome, and segregated with disease in o ne homozygous sibling (Fremeaux-Bacci 2006, Saunders 2007, Maga 2010, Bresin 201 3, Alberti 2013, Brocklebank 2014, Bhatia 2015, Phillips 2016, Sheerin 2016, and Besbas 2017, and Bhatia 2015). This variant occurs in the invariant region (+/ - 1,2) of the splice consensus sequence and has been demonstrated to impact spli cing (Fremeaux-Bacci 2006). It has been identified in 0.01% (11/111554) of Europ ean chromosomes by the Genome Aggregation Database (gnomAD; dbSNP rs769742294). Available data suggests that this variant is i nherited in an autosomal dominant manner with incomplete penetrance, and milder phenotype in heterozygotes and more severe, earlier-onset presentation in homozy gotes. In summary, the c.286+2T>C variant is likely pathogenic for atypical hem olytic uremic syndrome based upon observations in affected individuals and predi cted impact on the protein, though it may show reduced penetrance.

Sydney Genome Diagnostics, Children's Hospital Westmead
Classification: Pathogenic for Atypical hemolytic-uremic syndrome. Last evaluated: 2018-10-24. Review status: no assertion criteria provided. Collection method: clinical testing. Allele origin: unknown. Affected: yes. Observed: 1 variant allele, 1 heterozygote. Not counted in ClinVar's aggregate classification.
Comment: In silico analysis (using Alamut visual v2.6) predicts this variant to abolish the consensus splice donor site at c.286, resulting in the skipping of exon 2. This variant, in both heterozygote and homozygote form, has been reported in patients who developed aHUS after a trigger, such as S. flexneri diarrhoeal illness or dengue shock syndrome (Brocklebank et al 2014 Clin Kidney J 7:286-288; Bhatia et al 2015 Pediatr Nephrol Aug 26). However, the latter paper also reported this variant, in both heterozygote and homozygote form, in asymptomatic individuals who were 50 to 100% deficient of CD46.

Literature cited by the submitters: PubMed 16199547 (cited by Labcorp Genetics (formerly Invitae), Labcorp); PubMed 16621965 (cited by Labcorp Genetics (formerly Invitae), Labcorp and Variantyx, Inc.); PubMed 23431077 (cited by 4 submitters); PubMed 16762990 (cited by 6 submitters); PubMed 26307634 (cited by 5 submitters); PubMed 26559391 (cited by 3 submitters); PubMed 24944786 (cited by 3 submitters); PubMed 23731345 (cited by 3 submitters); PubMed 28509134 (cited by Variantyx, Inc. and Mayo Clinic Laboratories, Mayo Clinic); PubMed 33224962 (cited by Genomenon, Inc and Mayo Clinic Laboratories, Mayo Clinic); PubMed 17617869 (cited by Genomenon, Inc); PubMed 29644059 (cited by Genomenon, Inc and Women's Health and Genetics/Laboratory Corporation of America, LabCorp); PubMed 21906045 (cited by Genomenon, Inc); PubMed 30609409 (cited by Mayo Clinic Laboratories, Mayo Clinic); PubMed 34169201 (cited by Mayo Clinic Laboratories, Mayo Clinic); PubMed 25899302 (cited by Laboratory for Molecular Medicine, Mass General Brigham Personalized Medicine); PubMed 25525159 (cited by Laboratory for Molecular Medicine, Mass General Brigham Personalized Medicine); PubMed 20513133 (cited by Laboratory for Molecular Medicine, Mass General Brigham Personalized Medicine); PubMed 28056875 (cited by Laboratory for Molecular Medicine, Mass General Brigham Personalized Medicine); PubMed 17089378 (cited by Laboratory for Molecular Medicine, Mass General Brigham Personalized Medicine).

NM_172351.3(CD46):c.286+2T>G

Gene: CD46 (CD46 molecule; plus strand). Cytogenetic location: 1q32.2.
Variant type: single nucleotide variant.
Coding change: c.286+2T>G on transcript NM_172351.3 (MANE Select); the canonical splice donor site of the intron after coding-DNA position 286, T replaced by G.
Molecular consequence: splice donor variant.
Genome position (GRCh38, 1-based): chr1:207,757,204, T>G. VCF-style: chr1-207757204-T-G. GRCh37 (hg19) VCF-style: chr1-207930549-T-G.
Other names: c.286+2T>G (NM_002389.4, NM_172359.3, NM_153826.4 and 8 more transcripts).
Identifiers: ClinVar variation 505831 (VCV000505831.25), dbSNP rs769742294, ClinGen allele CA1371568.